The following is an entry in ClinVar:

ClinVar aggregate classification (germline): Conflicting classifications of pathogenicity. Review status: criteria provided, conflicting classifications (1 of 4 stars). 2 submissions from 2 submitters: Pathogenic (1); Uncertain significance (1). Last evaluated 2024-09-10.

Submissions (2):

GeneDx
Classification: Pathogenic. Last evaluated: 2024-09-10. Review status: criteria provided, single submitter. Criteria: GeneDx Variant Classification Process June 2021. Collection method: clinical testing. Allele origin: germline. Affected: yes.
Comment: Not observed at significant frequency in large population cohorts (gnomAD); In silico analysis supports that this missense variant has a deleterious effect on protein structure/function; Has not been previously published as pathogenic or benign to our knowledge

Eurofins Ntd Llc (ga)
Classification: Uncertain significance. Last evaluated: 2013-07-29. Review status: criteria provided, single submitter. Criteria: EGL Classification Definitions 2015. Collection method: clinical testing. Allele origin: germline. Observed: 1 variant allele, 1 hemizygote.

NM_005120.3(MED12):c.3844G>A (p.Val1282Met)

Gene: MED12 (mediator complex subunit 12; plus strand). Cytogenetic location: Xq13.1.
Variant type: single nucleotide variant.
Coding change: c.3844G>A on transcript NM_005120.3 (MANE Select); coding-DNA position 3844, G replaced by A.
Protein change: p.Val1282Met; replaces valine 1282 with methionine.
Molecular consequence: missense variant.
Genome position (GRCh38, 1-based): chrX:71,129,832, G>A. VCF-style: chrX-71129832-G-A. GRCh37 (hg19) VCF-style: chrX-70349682-G-A.
Other names: short protein forms V1282M.
Identifiers: ClinVar variation 95247 (VCV000095247.11), dbSNP rs398124197, ClinGen allele CA222838.